The following is an entry in ClinVar:

ClinVar aggregate classification (germline): Uncertain significance (1 of 4 stars; one submission).

gnomAD v4.1: 5 of 1,209,578 alleles (0.00041%); highest among the groups gnomAD compares: Non-Finnish European, 0.00056%; no homozygotes.

Submission:

GeneDx
Classification: Uncertain significance. Last evaluated: 2023-07-17. Review status: criteria provided, single submitter. Criteria: GeneDx Variant Classification Process June 2021. Collection method: clinical testing. Allele origin: germline. Affected: yes.
Comment: Not observed at significant frequency in large population cohorts (gnomAD); In silico analysis supports that this missense variant does not alter protein structure/function; Has not been previously published as pathogenic or benign to our knowledge

NM_000206.3(IL2RG):c.356A>C (p.Lys119Thr)

Gene: IL2RG (interleukin 2 receptor subunit gamma; minus strand). Cytogenetic location: Xq13.1.
Variant type: single nucleotide variant.
Coding change: c.356A>C on transcript NM_000206.3 (MANE Select); coding-DNA position 356, A replaced by C.
Protein change: p.Lys119Thr; replaces lysine 119 with threonine.
Molecular consequence: missense variant.
Genome position (GRCh38, 1-based): chrX:71,110,602, T>G on the plus strand (A>C on the coding strand, the complement: IL2RG is on the minus strand). VCF-style: chrX-71110602-T-G. GRCh37 (hg19) VCF-style: chrX-70330452-T-G.
Other names: short protein forms K119T.
Identifiers: ClinVar variation 3361091 (VCV003361091.1).